The following is an entry in ClinVar:

ClinVar aggregate classification (germline): Uncertain significance. Review status: criteria provided, multiple submitters, no conflicts (2 of 4 stars). 3 submissions from 3 submitters: Uncertain significance (3). Last evaluated 2025-01-10.

Conditions:
Multiple endocrine neoplasia, type 1 (MEN1). Also called: MEN I; WERMER SYNDROME; Endocrine adenomatosis multiple; MEN 1; MEA I. Identifiers: Orphanet 652, MedGen C0025267, MeSH D018761, MONDO:0007540, OMIM 131100.
Hereditary cancer-predisposing syndrome. Also called: Neoplastic Syndromes, Hereditary; Tumor predisposition; Hereditary neoplastic syndrome; Hereditary Cancer Syndrome. Identifiers: Orphanet 140162, MedGen C0027672, MeSH D009386, MONDO:0015356.

Submissions (3):

Ambry Genetics
Classification: Uncertain significance for Hereditary cancer-predisposing syndrome. Last evaluated: 2025-01-10. Review status: criteria provided, single submitter. Criteria: Ambry Variant Classification Scheme 2023. Collection method: clinical testing. Allele origin: germline.
Comment: The p.S219G variant (also known as c.655A>G) is located in coding exon 3 of the MEN1 gene. The serine at codon 219 is replaced by glycine, an amino acid with similar properties. This change occurs in the first base pair of coding exon 3. This amino acid position is highly conserved in available vertebrate species. In addition, this alteration is predicted to be deleterious by in silico analysis. Based on the available evidence, the clinical significance of this variant remains unclear.

Labcorp Genetics (formerly Invitae), Labcorp
Classification: Uncertain significance for Multiple endocrine neoplasia, type 1. Last evaluated: 2023-08-08. Review status: criteria provided, single submitter. Criteria: Invitae Variant Classification Sherloc (09022015). Collection method: clinical testing. Allele origin: germline.
Comment: This sequence change replaces serine, which is neutral and polar, with glycine, which is neutral and non-polar, at codon 219 of the MEN1 protein (p.Ser219Gly). This variant is not present in population databases (gnomAD no frequency). This variant has not been reported in the literature in individuals affected with MEN1-related conditions. ClinVar contains an entry for this variant (Variation ID: 1754181). An algorithm developed to predict the effect of missense changes on protein structure and function (PolyPhen-2) suggests that this variant is likely to be tolerated. Algorithms developed to predict the effect of sequence changes on RNA splicing suggest that this variant may disrupt the consensus splice site. In summary, the available evidence is currently insufficient to determine the role of this variant in disease. Therefore, it has been classified as a Variant of Uncertain Significance.

GeneDx
Classification: Uncertain significance. Last evaluated: 2022-10-14. Review status: criteria provided, single submitter. Criteria: GeneDx Variant Classification Process June 2021. Collection method: clinical testing. Allele origin: germline. Affected: yes.
Comment: Not observed at significant frequency in large population cohorts (gnomAD); In silico analysis supports that this missense variant has a deleterious effect on protein structure/function; Has not been previously published as pathogenic or benign to our knowledge; This variant is associated with the following publications: (PMID: 9989505, 12874027)

NM_001370259.2(MEN1):c.655A>G (p.Ser219Gly)

Gene: MEN1 (menin 1; minus strand). Cytogenetic location: 11q13.1.
Variant type: single nucleotide variant.
Coding change: c.655A>G on transcript NM_001370259.2 (MANE Select); coding-DNA position 655, A replaced by G.
Protein change: p.Ser219Gly; replaces serine 219 with glycine.
Molecular consequence: missense variant.
Genome position (GRCh38, 1-based): chr11:64,807,680, T>C on the plus strand (A>G on the coding strand, the complement: MEN1 is on the minus strand). VCF-style: chr11-64807680-T-C. GRCh37 (hg19) VCF-style: chr11-64575152-T-C.
Other names: c.670A>G, p.Ser224Gly (NM_000244.4, NM_001407145.1, NM_001407150.1 and 5 more transcripts); c.655A>G, p.Ser219Gly (NM_001370251.2, NM_001370260.2, NM_001370261.2 and 7 more transcripts); c.550A>G, p.Ser184Gly (NM_001370262.2, NM_001370263.2, NM_001407148.1 and 2 more transcripts); short protein forms S219G, S224G, S184G.
Identifiers: ClinVar variation 1754181 (VCV001754181.7), dbSNP rs2497208013, ClinGen allele CA381185249.